The following is an entry in ClinVar:

ClinVar aggregate classification (germline): Uncertain significance. Review status: criteria provided, multiple submitters, no conflicts (2 of 4 stars). 3 submissions from 3 submitters: Uncertain significance (3). Last evaluated 2024-05-24.

Conditions:
Inborn genetic diseases. Identifiers: MedGen C0950123, MeSH D030342.

Submissions (3):

GeneDx
Classification: Uncertain significance. Last evaluated: 2024-05-24. Review status: criteria provided, single submitter. Criteria: GeneDx Variant Classification Process June 2021. Collection method: clinical testing. Allele origin: germline. Affected: yes.
Comment: In silico analysis supports that this missense variant has a deleterious effect on protein structure/function; Has not been previously published as pathogenic or benign to our knowledge

Ambry Genetics
Classification: Uncertain significance for Inborn genetic diseases. Last evaluated: 2023-11-07. Review status: criteria provided, single submitter. Criteria: Ambry Variant Classification Scheme 2023. Collection method: clinical testing. Allele origin: germline.

Labcorp Genetics (formerly Invitae), Labcorp
Classification: Uncertain significance. Last evaluated: 2021-09-17. Review status: criteria provided, single submitter. Criteria: Invitae Variant Classification Sherloc (09022015). Collection method: clinical testing. Allele origin: germline.
Comment: This sequence change replaces arginine with tryptophan at codon 29 of the HPS5 protein (p.Arg29Trp). The arginine residue is highly conserved and there is a moderate physicochemical difference between arginine and tryptophan. This variant is present in population databases (rs138638048, ExAC 0.02%). This variant has not been reported in the literature in individuals affected with HPS5-related conditions. Algorithms developed to predict the effect of missense changes on protein structure and function are either unavailable or do not agree on the potential impact of this missense change (SIFT: "Deleterious"; PolyPhen-2: "Probably Damaging"; Align-GVGD: "Class C0"). In summary, the available evidence is currently insufficient to determine the role of this variant in disease. Therefore, it has been classified as a Variant of Uncertain Significance.

NM_181507.2(HPS5):c.85C>T (p.Arg29Trp)

Gene: HPS5 (HPS5 biogenesis of lysosomal organelles complex 2 subunit 2; minus strand). Cytogenetic location: 11p15.1.
Variant type: single nucleotide variant.
Coding change: c.85C>T on transcript NM_181507.2 (MANE Select); coding-DNA position 85, C replaced by T.
Protein change: p.Arg29Trp; replaces arginine 29 with tryptophan.
Molecular consequence: missense variant. On other transcripts: 5 prime UTR variant (3), intron variant (14).
Genome position (GRCh38, 1-based): chr11:18,317,774, G>A on the plus strand (C>T on the coding strand, the complement: HPS5 is on the minus strand). VCF-style: chr11-18317774-G-A. GRCh37 (hg19) VCF-style: chr11-18339321-G-A.
Other names: c.85C>T, p.Arg29Trp (NM_001440902.1, NM_001440903.1, NM_001440904.1 and 9 more transcripts); c.-107C>T (NM_001440907.1, NM_001440908.1, NM_001440918.1); c.-124+4359C>T (NM_001440929.1); c.-235+4359C>T (NM_181508.2, NM_001440921.1); c.-124+4303C>T (NM_001440926.1); c.-235+4303C>T (NM_001440925.1, NM_001440920.1); c.-124+4172C>T (NM_001440928.1, NM_001440922.1); c.-235+4172C>T (NM_001440927.1, NM_001440930.1, NM_007216.4 and 2 more transcripts); and 1 more; short protein forms R29W.
Identifiers: ClinVar variation 1404096 (VCV001404096.7), dbSNP rs138638048, ClinGen allele CA5910582.